The following is an entry in ClinVar:

ClinVar aggregate classification (germline): Pathogenic (1 of 4 stars; one submission).

Conditions:
Spastic paraplegia. Identifiers: MedGen C0037772, HP:0001258.

Submission:

Labcorp Genetics (formerly Invitae), Labcorp
Classification: Pathogenic for Spastic paraplegia. Last evaluated: 2022-12-16. Review status: criteria provided, single submitter. Criteria: Invitae Variant Classification Sherloc (09022015). Collection method: clinical testing. Allele origin: germline.
Comment: For these reasons, this variant has been classified as Pathogenic. This variant has not been reported in the literature in individuals affected with SACS-related conditions. This sequence change creates a premature translational stop signal (p.Gln137Leufs*46) in the SACS gene. It is expected to result in an absent or disrupted protein product. Loss-of-function variants in SACS are known to be pathogenic (PMID: 18465152, 20876471). This variant is not present in population databases (gnomAD no frequency).

Literature cited by the submitters: PubMed 18465152; PubMed 20876471.

NM_014363.6(SACS):c.410_411del (p.Gln137fs)

Gene: SACS (sacsin molecular chaperone; minus strand). Cytogenetic location: 13q12.12.
Variant type: Deletion.
Coding change: c.410_411del on transcript NM_014363.6 (MANE Select); coding-DNA positions 410 to 411, 2 bases deleted (AA; older notation c.410_411delAA).
Protein change: p.Gln137fs; shifts the reading frame from glutamine 137.
Molecular consequence: frameshift variant. On other transcripts: 5 prime UTR variant (1).
Genome position (GRCh38, 1-based): chr13:23,365,212-23,365,213, TT deleted on the plus strand (AA on the coding strand, the reverse complement: SACS is on the minus strand). VCF-style (leftmost placement, unchanged base first): chr13-23365211-ATT-A. GRCh37 (hg19) VCF-style: chr13-23939350-ATT-A.
Other names: c.-32_-31del (NM_001278055.2); short protein forms Q137fs.
Identifiers: ClinVar variation 2786241 (VCV002786241.3), dbSNP rs2542442356, ClinGen allele CA2739277484.
Genomic context (GRCh38, chr13:23,365,211, plus strand): 5'-ATTATTGATTCTTACCCTGATATGGCGCCATATCTTTTGACCAAAGAGTCTCTGTTCCGT[ATT>A]GAGTTTCATCATATAAAAATTTAACTTCTGTCGCCCCAGCATCTTCTGCATTCTGAATTA-3'